The following is an entry in ClinVar:

ClinVar aggregate classification (germline): Pathogenic. Review status: criteria provided, multiple submitters, no conflicts (2 of 4 stars). 2 submissions from 2 submitters: Pathogenic (2). Last evaluated 2025-02-25.

Submissions (2):

Labcorp Genetics (formerly Invitae), Labcorp
Classification: Pathogenic. Last evaluated: 2025-02-25. Review status: criteria provided, single submitter. Criteria: Invitae Variant Classification Sherloc (09022015). Collection method: clinical testing. Allele origin: germline.
Comment: This sequence change creates a premature translational stop signal (p.Cys220*) in the PBX1 gene. It is expected to result in an absent or disrupted protein product. Loss-of-function variants in PBX1 are known to be pathogenic (PMID: 28566479, 29036646, 29226118). This variant is not present in population databases (gnomAD no frequency). This variant has not been reported in the literature in individuals affected with PBX1-related conditions. ClinVar contains an entry for this variant (Variation ID: 2505899). For these reasons, this variant has been classified as Pathogenic.

GeneDx
Classification: Pathogenic. Last evaluated: 2024-09-25. Review status: criteria provided, single submitter. Criteria: GeneDx Variant Classification Process June 2021. Collection method: clinical testing. Allele origin: germline. Affected: yes.
Comment: Nonsense variant predicted to result in protein truncation or nonsense mediated decay in a gene for which loss of function is a known mechanism of disease; Not observed at significant frequency in large population cohorts (gnomAD); Has not been previously published as pathogenic or benign to our knowledge

Literature cited by the submitters: PubMed 28566479 (cited by Labcorp Genetics (formerly Invitae), Labcorp); PubMed 29036646 (cited by Labcorp Genetics (formerly Invitae), Labcorp); PubMed 29226118 (cited by Labcorp Genetics (formerly Invitae), Labcorp).

NM_002585.4(PBX1):c.660C>A (p.Cys220Ter)

Gene: PBX1 (PBX homeobox 1; plus strand). Cytogenetic location: 1q23.3.
Variant type: single nucleotide variant.
Coding change: c.660C>A on transcript NM_002585.4 (MANE Select); coding-DNA position 660, C replaced by A.
Protein change: p.Cys220Ter; replaces cysteine 220 with a stop codon.
Molecular consequence: nonsense.
Genome position (GRCh38, 1-based): chr1:164,799,848, C>A. VCF-style: chr1-164799848-C-A. GRCh37 (hg19) VCF-style: chr1-164769085-C-A.
Other names: c.660C>A, p.Cys220Ter (NM_001204961.2, NM_001204963.2, NM_001353131.2); c.411C>A, p.Cys137Ter (NM_001353130.1); short protein forms C137*, C220*.
Identifiers: ClinVar variation 2505899 (VCV002505899.3), dbSNP rs763332823, ClinGen allele CA343471030.
Genomic context (GRCh38, chr1:164,799,848, plus strand): 5'-GGTCAGCATCATCCACCGCAAGTTCAGCTCCATCCAGATGCAGCTCAAGCAGAGCACGTG[C>A]GAGGCGGTGATGATCCTGCGTTCCCGATTTCTGGATGCGCGGTGAGTCTCCCATGGGGCT-3'